The following is an entry in ClinVar:

ClinVar aggregate classification (germline): Conflicting classifications of pathogenicity. Review status: criteria provided, conflicting classifications (1 of 4 stars). 5 submissions from 5 submitters: Uncertain significance (4); Likely benign (1). Last evaluated 2026-02-05.

Conditions:
Cardiovascular phenotype. Identifiers: MedGen CN230736.
Hypertrophic cardiomyopathy 15. Identifiers: MedGen C2750459, MONDO:0013200, OMIM 613255.
Dilated cardiomyopathy 1W (CMD1W). Identifiers: Orphanet 154, MedGen C1969639, MONDO:0012667, OMIM 611407.

Submissions (5):

Ambry Genetics
Classification: Likely benign for Cardiovascular phenotype. Last evaluated: 2026-02-05. Review status: criteria provided, single submitter. Criteria: Ambry Variant Classification Scheme 2023. Collection method: clinical testing. Allele origin: germline.

Labcorp Genetics (formerly Invitae), Labcorp
Classification: Uncertain significance for Dilated cardiomyopathy 1W. Last evaluated: 2025-09-13. Review status: criteria provided, single submitter. Criteria: Invitae Variant Classification Sherloc (09022015). Collection method: clinical testing. Allele origin: germline.
Comment: This sequence change replaces proline, which is neutral and non-polar, with serine, which is neutral and polar, at codon 942 of the VCL protein (p.Pro942Ser). Information on the frequency of this variant in the gnomAD database is not available, as this variant may be reported differently in the database. This missense change has been observed in individual(s) with sudden cardiac death (PMID: 34389451). ClinVar contains an entry for this variant (Variation ID: 408948). Experimental studies and prediction algorithms are not available or were not evaluated, and the functional significance of this variant is currently unknown. In summary, the available evidence is currently insufficient to determine the role of this variant in disease. Therefore, it has been classified as a Variant of Uncertain Significance.

Women's Health and Genetics/Laboratory Corporation of America, LabCorp
Classification: Uncertain significance. Last evaluated: 2023-11-13. Review status: criteria provided, single submitter. Criteria: LabCorp Variant Classification Summary - May 2015. Collection method: clinical testing. Allele origin: germline.
Comment: Variant summary: VCL c.2823_2824delinsGT (p.Pro942Ser) is part of a multinucleotide combination of c.2823C>G (p.Val941Val) and c.2824C>T (p.Pro942Ser). Two of two in-silico tools predict a damaging effect of the variant on protein function. The variant allele was found at a frequency of 6.9e-06 in 1459596 control chromosomes. This frequency is not significantly higher than estimated for a pathogenic variant in VCL causing Cardiomyopathy (6.9e-06 vs 2.5e-05), allowing no conclusion about variant significance. c.2823_2824delinsGT has been reported in the literature in an individual affected with HCM and sudden cardiac death, however other potentially disease causing variants were also reported in this patient (Tiesmeier_2021, Gaertner-Rommel_2019). These reports do not provide unequivocal conclusions about association of the variant with Cardiomyopathy. To our knowledge, no experimental evidence demonstrating an impact on protein function has been reported. Three submitters have cited clinical-significance assessments for this variant to ClinVar after 2014. All submitters classified the variant as uncertain significance. Based on the evidence outlined above, the variant was classified as uncertain significance.

Fulgent Genetics
Classification: Uncertain significance for Dilated cardiomyopathy 1W; Hypertrophic cardiomyopathy 15. Last evaluated: 2021-08-24. Review status: criteria provided, single submitter. Criteria: ACMG Guidelines, 2015. Collection method: clinical testing. Allele origin: unknown.

Stanford Center for Inherited Cardiovascular Disease, Stanford University
Classification: Uncertain significance. Last evaluated: 2016-12-09. Review status: criteria provided, single submitter. Criteria: ACMG Guidelines, 2015. Collection method: provider interpretation. Allele origin: germline.

Literature cited by the submitters: PubMed 34389451 (cited by Labcorp Genetics (formerly Invitae), Labcorp and Women's Health and Genetics/Laboratory Corporation of America, LabCorp); PubMed 31293105 (cited by Women's Health and Genetics/Laboratory Corporation of America, LabCorp).

NM_014000.3(VCL):c.2823_2824delinsGT (p.Pro942Ser)

Gene: VCL (vinculin; plus strand). Cytogenetic location: 10q22.2.
Variant type: Indel.
Coding change: c.2823_2824delinsGT on transcript NM_014000.3 (MANE Select); coding-DNA positions 2823 to 2824, CC replaced by GT.
Protein change: p.Pro942Ser; replaces proline 942 with serine.
Molecular consequence: missense variant. On other transcripts: intron variant (1).
Genome position (GRCh38, 1-based): chr10:74,111,986-74,111,987, CC replaced by GT. VCF-style: chr10-74111986-CC-GT. GRCh37 (hg19) VCF-style: chr10-75871744-CC-GT.
Other names: c.2823_2824delCCinsGT (NM_014000.2); c.2746-2198_2746-2197delinsGT (NM_003373.4); short protein forms P942S.
Identifiers: ClinVar variation 408948 (VCV000408948.15), dbSNP rs1060502196, ClinGen allele CA16613175.